The following is an entry in ClinVar:

NM_005859.5(PURA):c.305T>G (p.Leu102Arg)

Gene: PURA (purine rich element binding protein A; plus strand). Cytogenetic location: 5q31.3.
Variant type: single nucleotide variant.
Coding change: c.305T>G on transcript NM_005859.5 (MANE Select); coding-DNA position 305, T replaced by G.
Protein change: p.Leu102Arg; replaces leucine 102 with arginine.
Molecular consequence: missense variant.
Genome position (GRCh38, 1-based): chr5:140,114,486, T>G. VCF-style: chr5-140114486-T-G. GRCh37 (hg19) VCF-style: chr5-139494071-T-G.
Other names: p.L102R:CTC>CGC; short protein forms L102R.
Identifiers: ClinVar variation 192338 (VCV000192338.2), dbSNP rs793888531, ClinGen allele CA302655.
Genomic context (GRCh38, chr5:140,114,486, plus strand): 5'-AGGGCCGCTTCCTGAAGATCGCCGAGGTGGGCGCGGGCGGCAACAAGAGCCGCCTTACTC[T>G]CTCCATGTCAGTGGCCGTGGAGTTCCGCGACTACCTGGGCGACTTCATCGAGCACTACGC-3'
Protein context (NP_005850.1, residues 92-112): GAGGNKSRLT[Leu102Arg]SMSVAVEFRD

ClinVar aggregate classification (germline): Pathogenic (1 of 4 stars; one submission).

Submission:

GeneDx
Classification: Pathogenic. Last evaluated: 2015-06-03. Review status: criteria provided, single submitter. Criteria: GeneDx Variant Classification (06012015). Collection method: clinical testing. Allele origin: germline. Affected: yes.
Comment: p.Leu102Arg (CTC>CGC): c.305 T>G in exon 1 in the PURA gene (NM_005859.4). The L102R variant in the PURA gene has not been reported previously as a disease-causing mutation nor as a benign polymorphism, to our knowledge. The L102R variant is a non-conservative amino acid substitution as these residues differ in polarity, charge, size and/or other properties and is more likely to impact secondary structure. This change occurs at a residue that is conserved across species. In silico analysis predicts this variant is probably damaging to the protein structure/function. The L102R variant was not observed in approximately 6,500 individuals of European and African American ancestry in the NHLBI Exome Sequencing Project, indicating it is not a common benign variant in these populations. We interpret L102R as a disease-causing mutation. The variant has been observed de novo with confirmed parentage.